The following is an entry in ClinVar:

ClinVar aggregate classification (germline): Uncertain significance (1 of 4 stars; one submission).

Conditions:
Carney complex, type 1 (CNC1). Also called: CARNEY MYXOMA-ENDOCRINE COMPLEX; CARNEY COMPLEX, TYPE I. Identifiers: Orphanet 1359, MedGen C2607929, MONDO:0008057, OMIM 160980.

Submission:

Labcorp Genetics (formerly Invitae), Labcorp
Classification: Uncertain significance for Carney complex, type 1. Last evaluated: 2021-12-21. Review status: criteria provided, single submitter. Criteria: Invitae Variant Classification Sherloc (09022015). Collection method: clinical testing. Allele origin: germline.
Comment: This sequence change replaces proline, which is neutral and non-polar, with serine, which is neutral and polar, at codon 320 of the PRKAR1A protein (p.Pro320Ser). This variant is not present in population databases (gnomAD no frequency). This variant has not been reported in the literature in individuals affected with PRKAR1A-related conditions. Algorithms developed to predict the effect of missense changes on protein structure and function (SIFT, PolyPhen-2, Align-GVGD) all suggest that this variant is likely to be tolerated. In summary, the available evidence is currently insufficient to determine the role of this variant in disease. Therefore, it has been classified as a Variant of Uncertain Significance.

NM_002734.5(PRKAR1A):c.958C>T (p.Pro320Ser)

Gene: PRKAR1A (protein kinase cAMP-dependent type I regulatory subunit alpha; plus strand). Cytogenetic location: 17q24.2.
Variant type: single nucleotide variant.
Coding change: c.958C>T on transcript NM_002734.5 (MANE Select); coding-DNA position 958, C replaced by T.
Protein change: p.Pro320Ser; replaces proline 320 with serine.
Molecular consequence: missense variant.
Genome position (GRCh38, 1-based): chr17:68,529,986, C>T. VCF-style: chr17-68529986-C-T. GRCh37 (hg19) VCF-style: chr17-66526127-C-T.
Other names: c.958C>T, p.Pro320Ser (NM_001276289.2, NM_001276290.1, NM_001278433.2 and 4 more transcripts); short protein forms P320S.
Identifiers: ClinVar variation 1945598 (VCV001945598.5), dbSNP rs2509443827, ClinGen allele CA400754277.
Genomic context (GRCh38, chr17:68,529,986, plus strand): 5'-GCTGCTGTGCTACAACGTCGGTCAGAAAATGAAGAGTTTGTTGAAGTGGGAAGATTGGGG[C>T]CTTCTGATTATTTTGGTATGTATGAATTCCCTCACAATAAATACATGGTTTCTTTAAGTC-3'
Protein context (NP_002725.1, residues 310-330): EEFVEVGRLG[Pro320Ser]SDYFGEIALL